The following is an entry in ClinVar:

NM_000263.4(NAGLU):c.172G>A (p.Ala58Thr)

Genes: NAGLU (N-acetyl-alpha-glucosaminidase; plus strand), LOC130060903 (ATAC-STARR-seq lymphoblastoid silent region 8533; plus strand). Cytogenetic location: 17q21.2.
Variant type: single nucleotide variant.
Coding change: c.172G>A on transcript NM_000263.4 (MANE Select); coding-DNA position 172, G replaced by A.
Protein change: p.Ala58Thr; replaces alanine 58 with threonine.
Molecular consequence: missense variant.
Genome position (GRCh38, 1-based): chr17:42,536,444, G>A. VCF-style: chr17-42536444-G-A. GRCh37 (hg19) VCF-style: chr17-40688462-G-A.
Other names: short protein forms A58T.
Identifiers: ClinVar variation 1980751 (VCV001980751.2), dbSNP rs973885994, ClinGen allele CA290771313.

ClinVar aggregate classification (germline): Uncertain significance. Review status: criteria provided, multiple submitters, no conflicts (2 of 4 stars). 2 submissions from 2 submitters: Uncertain significance (2). Last evaluated 2025-11-04.

Conditions:
Mucopolysaccharidosis, MPS-III-B (MPS3B). Also called: N-ACETYL-ALPHA-D-GLUCOSAMINIDASE DEFICIENCY; NAGLU DEFICIENCY; SANFILIPPO SYNDROME B; MPS III B; Mucopolysaccharidosis type IIIB (Sanfilippo B); MPS IIIB (Sanfilippo Syndrome Type B). Identifiers: Orphanet 79270, MedGen C0086648, MONDO:0009656, OMIM 252920.
Charcot-Marie-Tooth disease axonal type 2V. Also called: CHARCOT-MARIE-TOOTH NEUROPATHY, TYPE 2V; CHARCOT-MARIE-TOOTH DISEASE, AXONAL, AUTOSOMAL DOMINANT, TYPE 2V. Identifiers: Orphanet 447964, MedGen C5569050, MONDO:0014665, OMIM 616491.

Allele frequency attached by ClinVar (database versions not stated): gnomAD 0.00003; gnomAD exomes 0.00001.
gnomAD v4.1: 6 of 1,257,628 alleles (0.00048%); highest among the groups gnomAD compares: African/African-American, 0.0079%; no homozygotes.

Submissions (2):

Myriad Genetics, Inc.
Classification: Uncertain significance for Mucopolysaccharidosis, MPS-III-B. Last evaluated: 2025-11-04. Review status: criteria provided, single submitter. Criteria: Myriad Autosomal Dominant, Autosomal Recessive and X-Linked Classification Criteria (2023). Collection method: clinical testing. Allele origin: unknown.
Comment: NM_000263.3(NAGLU):c.172G>A(A58T) is a missense variant classified as a variant of uncertain significance in the context of mucopolysaccharidosis type IIIB. A58T has not been observed in cases with relevant disease. Relevant functional assessments of this variant are not available in the literature. A58T has been observed in referenced population frequency databases. In summary, there is insufficient evidence to classify NM_000263.3(NAGLU):c.172G>A(A58T) as pathogenic or benign. Please note: this variant was assessed in the context of healthy population screening.

Labcorp Genetics (formerly Invitae), Labcorp
Classification: Uncertain significance for Charcot-Marie-Tooth disease axonal type 2V; Mucopolysaccharidosis, MPS-III-B. Last evaluated: 2022-06-23. Review status: criteria provided, single submitter. Criteria: Invitae Variant Classification Sherloc (09022015). Collection method: clinical testing. Allele origin: germline.
Comment: This sequence change replaces alanine, which is neutral and non-polar, with threonine, which is neutral and polar, at codon 58 of the NAGLU protein (p.Ala58Thr). This variant is present in population databases (no rsID available, gnomAD 0.01%). This variant has not been reported in the literature in individuals affected with NAGLU-related conditions. Advanced modeling of protein sequence and biophysical properties (such as structural, functional, and spatial information, amino acid conservation, physicochemical variation, residue mobility, and thermodynamic stability) performed at Invitae indicates that this missense variant is not expected to disrupt NAGLU protein function. In summary, the available evidence is currently insufficient to determine the role of this variant in disease. Therefore, it has been classified as a Variant of Uncertain Significance.